The following is an entry in ClinVar:

ClinVar aggregate classification (germline): Pathogenic (1 of 4 stars; one submission).

Submission:

GeneDx
Classification: Pathogenic. Last evaluated: 2019-10-17. Review status: criteria provided, single submitter. Criteria: GeneDx Variant Classification Process June 2021. Collection method: clinical testing. Allele origin: germline. Affected: yes.
Comment: Has not been previously published as pathogenic or benign to our knowledge; Nonsense variant predicted to result in protein truncation or nonsense mediated decay in a gene for which loss-of-function is a known mechanism of disease; Not observed in large population cohorts (Lek et al., 2016)

NM_004614.5(TK2):c.583A>T (p.Lys195Ter)

Gene: TK2 (thymidine kinase 2; minus strand). Cytogenetic location: 16q21.
Variant type: single nucleotide variant.
Coding change: c.583A>T on transcript NM_004614.5 (MANE Select); coding-DNA position 583, A replaced by T.
Protein change: p.Lys195Ter; replaces lysine 195 with a stop codon.
Molecular consequence: nonsense. On other transcripts: non-coding transcript variant (1), intron variant (1).
Genome position (GRCh38, 1-based): chr16:66,517,171, T>A on the plus strand (A>T on the coding strand, the complement: TK2 is on the minus strand). VCF-style: chr16-66517171-T-A. GRCh37 (hg19) VCF-style: chr16-66551074-T-A.
Other names: c.490A>T, p.Lys164Ter (NM_001172643.1); c.508A>T, p.Lys170Ter (NM_001172644.2); c.529A>T, p.Lys177Ter (NM_001172645.2); c.436A>T, p.Lys146Ter (NM_001271934.2); c.292A>T, p.Lys98Ter (NM_001272050.2); c.357-3360A>T (NM_001271935.1); short protein forms K195*, K164*, K146*, K170*, K177*, K98*.
Identifiers: ClinVar variation 280624 (VCV000280624.3), dbSNP rs886041794, ClinGen allele CA10603541.
Genomic context (GRCh38, chr16:66,517,171, plus strand): 5'-TAACCAAGTCAAAGAGGCCTCTTACCAGCGGAATGACCTTCTCCTCTTCCCTGCATCTCT[T>A]CTTTAACCTCTGGTAACAAGTCTCAGGATTGGTCCGAAGGTAAACTGAGGTTAAAAGAAT-3'